The following is an entry in ClinVar:

ClinVar aggregate classification (germline): Uncertain significance (1 of 4 stars; one submission).

Conditions:
Hereditary cancer-predisposing syndrome. Also called: Tumor predisposition; Hereditary Cancer Syndrome; Neoplastic Syndromes, Hereditary; Hereditary neoplastic syndrome. Identifiers: Orphanet 140162, MedGen C0027672, MeSH D009386, MONDO:0015356.

Submission:

Color Diagnostics, LLC DBA Color Health
Classification: Uncertain significance for Hereditary cancer-predisposing syndrome. Last evaluated: 2025-07-03. Review status: criteria provided, single submitter. Criteria: ACMG Guidelines, 2015. Collection method: clinical testing. Allele origin: germline.
Comment: This missense variant replaces aspartic acid with glutamic acid at codon 510 of the PMS2 protein. Computational prediction suggests that this variant may not impact protein structure and function. To our knowledge, functional studies have not been reported for this variant. This variant has not been reported in individuals affected with PMS2-related disorders in the literature. This variant has not been identified in the general population by the Genome Aggregation Database (gnomAD). The available evidence is insufficient to determine the role of this variant in disease conclusively. Therefore, this variant is classified as a Variant of Uncertain Significance.

NM_000535.7(PMS2):c.1530C>A (p.Asp510Glu)

Gene: PMS2 (PMS1 homolog 2, mismatch repair system component; minus strand). Cytogenetic location: 7p22.1.
Variant type: single nucleotide variant.
Coding change: c.1530C>A on transcript NM_000535.7 (MANE Select); coding-DNA position 1530, C replaced by A.
Protein change: p.Asp510Glu; replaces aspartic acid 510 with glutamic acid.
Molecular consequence: missense variant. On other transcripts: non-coding transcript variant (1), intron variant (1).
Genome position (GRCh38, 1-based): chr7:5,987,235, G>T on the plus strand (C>A on the coding strand, the complement: PMS2 is on the minus strand). VCF-style: chr7-5987235-G-T. GRCh37 (hg19) VCF-style: chr7-6026866-G-T.
Other names: c.1125C>A, p.Asp375Glu (NM_001322003.2, NM_001322004.2, NM_001322005.2 and 16 more transcripts); c.1374C>A, p.Asp458Glu (NM_001322006.2, NM_001406870.1); c.1212C>A, p.Asp404Glu (NM_001322007.2, NM_001322008.2, NM_001406876.1 and 2 more transcripts); c.969C>A, p.Asp323Glu (NM_001322010.2, NM_001406906.1, NM_001406907.1); c.597C>A, p.Asp199Glu (NM_001322011.2, NM_001322012.2); c.957C>A, p.Asp319Glu (NM_001322013.2, NM_001406909.1); c.1530C>A, p.Asp510Glu (NM_001322014.2, NM_001406871.1, NM_001406872.1); c.1221C>A, p.Asp407Glu (NM_001322015.2, NM_001406875.1, NM_001406877.1 and 5 more transcripts); and 13 more; short protein forms D199E, D253E, D319E, D323E, D339E, D352E, D355E, D375E.
Identifiers: ClinVar variation 4757767 (VCV004757767.1).